The following is an entry in ClinVar:

NM_024642.5(GALNT12):c.32C>G (p.Pro11Arg)

Gene: GALNT12 (polypeptide N-acetylgalactosaminyltransferase 12; plus strand). Cytogenetic location: 9q22.33.
Variant type: single nucleotide variant.
Coding change: c.32C>G on transcript NM_024642.5 (MANE Select); coding-DNA position 32, C replaced by G.
Protein change: p.Pro11Arg; replaces proline 11 with arginine.
Molecular consequence: missense variant.
Genome position (GRCh38, 1-based): chr9:98,807,730, C>G. VCF-style: chr9-98807730-C-G. GRCh37 (hg19) VCF-style: chr9-101570012-C-G.
Other names: short protein forms P11R.
Identifiers: ClinVar variation 4028008 (VCV004028008.1).

ClinVar aggregate classification (germline): Uncertain significance (1 of 4 stars; one submission).

gnomAD v4.1: 1 of 1,187,360 alleles (0.000084%); no homozygotes.

Submission:

Ambry Genetics
Classification: Uncertain significance. Last evaluated: 2025-04-18. Review status: criteria provided, single submitter. Criteria: Ambry Variant Classification Scheme 2023. Collection method: clinical testing. Allele origin: germline.
Comment: The p.P11R variant (also known as c.32C>G), located in coding exon 1 of the GALNT12 gene, results from a C to G substitution at nucleotide position 32. The proline at codon 11 is replaced by arginine, an amino acid with dissimilar properties. This amino acid position is conserved. In addition, this alteration is predicted to be tolerated by in silico analysis. Based on the available evidence, the clinical significance of this variant remains unclear.